The following is an entry in ClinVar:

ClinVar aggregate classification (germline): Conflicting classifications of pathogenicity. Review status: criteria provided, conflicting classifications (1 of 4 stars). 3 submissions from 3 submitters: Uncertain significance (1); Likely benign (1). 1 of the submissions does not count toward it. Last evaluated 2025-11-18.

Conditions:
PHF8-related disorder. Also called: PHF8-related condition.

Allele frequency attached by ClinVar (database versions not stated): gnomAD 0.00002 and 0.00005; TOPMed 0.00002; gnomAD exomes 0.00007 and 0.00010; ExAC 0.00016; 1000 Genomes Project 0.00026; 1000 Genomes Project 30x 0.00042.
gnomAD v4.1: 74 of 1,148,448 alleles (0.0064%); highest among the groups gnomAD compares: South Asian, 0.11%; 2 homozygotes.

Submissions (3):

PreventionGenetics, part of Exact Sciences
Classification: Likely benign for PHF8-related condition. Last evaluated: 2025-11-18. Review status: criteria provided, single submitter. Criteria: ACMG Guidelines, 2015. Collection method: clinical testing. Allele origin: germline.
Comment: This variant is classified as likely benign based on ACMG/AMP sequence variant interpretation guidelines (Richards et al. 2015 PMID: 25741868, with internal and published modifications).

CeGaT Center for Human Genetics Tuebingen
Classification: Uncertain significance. Last evaluated: 2018-09-01. Review status: criteria provided, single submitter. Criteria: CeGaT Center For Human Genetics Tuebingen Variant Classification Criteria Version 2. Collection method: clinical testing. Allele origin: germline. Affected: yes. Observed: 2 variant alleles.

Genetics and Genomic Medicine Centre, NeuroGen Healthcare, NeuroGen Healthcare
Classification: Uncertain significance. Last evaluated: 2021-12-22. Review status: no assertion criteria provided. Collection method: clinical testing. Allele origin: unknown. Affected: yes. Not counted in ClinVar's aggregate classification.

NM_015107.3(PHF8):c.1726G>A (p.Gly576Ser)

Gene: PHF8 (PHD finger protein 8; minus strand). Cytogenetic location: Xp11.22.
Variant type: single nucleotide variant.
Coding change: c.1726G>A on transcript NM_015107.3 (MANE Select); coding-DNA position 1726, G replaced by A.
Protein change: p.Gly576Ser; replaces glycine 576 with serine.
Molecular consequence: missense variant.
Genome position (GRCh38, 1-based): chrX:53,992,740, C>T on the plus strand (G>A on the coding strand, the complement: PHF8 is on the minus strand). VCF-style: chrX-53992740-C-T. GRCh37 (hg19) VCF-style: chrX-54019173-C-T.
Other names: c.1834G>A, p.Gly612Ser (NM_001184896.1); c.1423G>A, p.Gly475Ser (NM_001184897.2); c.1726G>A, p.Gly576Ser (NM_001184898.2); c.1726G>A (NM_015107.2); short protein forms G576S, G475S, G612S.
Identifiers: ClinVar variation 444807 (VCV000444807.44), dbSNP rs782502760, ClinGen allele CA10423437.